The following is an entry in ClinVar:

NM_022124.6(CDH23):c.9979G>A (p.Ala3327Thr)

Gene: CDH23 (cadherin related 23; plus strand). Cytogenetic location: 10q22.1.
Variant type: single nucleotide variant.
Coding change: c.9979G>A on transcript NM_022124.6 (MANE Select); coding-DNA position 9979, G replaced by A.
Protein change: p.Ala3327Thr; replaces alanine 3327 with threonine.
Molecular consequence: missense variant.
Genome position (GRCh38, 1-based): chr10:71,815,192, G>A. VCF-style: chr10-71815192-G-A. GRCh37 (hg19) VCF-style: chr10-73574949-G-A.
Other names: c.3259G>A, p.Ala1087Thr (NM_001171933.1); c.3154G>A, p.Ala1052Thr (NM_001171934.1); c.670G>A, p.Ala224Thr (NM_001171935.1); c.565G>A, p.Ala189Thr (NM_001171936.1); short protein forms A224T, A3327T, A1052T, A189T, A1087T.
Identifiers: ClinVar variation 667206 (VCV000667206.13), dbSNP rs200733236, ClinGen allele CA5547233.
Genomic context (GRCh38, chr10:71,815,192, plus strand): 5'-GGCCTGGGCCGCTCGCTGGAGACGCTGACCGCTGCCGAGGCCACTGCCTTCGAGCGCAAC[G>A]CCCGCACAGAATCCGCCAAATCCACACCCCTGCACAAACTTCGCGACGTGATCATGGAGA-3'
Protein context (NP_071407.4, residues 3317-3337): AAEATAFERN[Ala3327Thr]RTESAKSTPL

ClinVar aggregate classification (germline): Conflicting classifications of pathogenicity. Review status: criteria provided, conflicting classifications (1 of 4 stars). 7 submissions from 7 submitters: Uncertain significance (4); Likely benign (1). 2 of the submissions do not count toward it. Last evaluated 2026-07-01.

Conditions:
CDH23-related disorder. Also called: CDH23-related condition; CDH23-related disorders.
Optic atrophy. Identifiers: MedGen C0029124, MONDO:0003608, HP:0000648.
Usher syndrome type 1 (USH1). Also called: RETINITIS PIGMENTOSA AND CONGENITAL DEAFNESS. Identifiers: Orphanet 231169, Orphanet 886, MedGen C1568247, MONDO:0010168, OMIM 276900.

Allele frequency attached by ClinVar (database versions not stated): TOPMed 0.00011; ExAC 0.00015; ESP Exome Variant Server 0.00016; gnomAD exomes 0.00019 and 0.00011; 1000 Genomes Project 0.00020; 1000 Genomes Project 30x 0.00031; gnomAD 0.00006.
gnomAD v4.1: 279 of 1,608,550 alleles (0.017%); highest among the groups gnomAD compares: Non-Finnish European, 0.021%; 1 homozygote.

Submissions (7):

CeGaT Center for Human Genetics Tuebingen
Classification: Likely benign. Last evaluated: 2026-07-01. Review status: criteria provided, single submitter. Criteria: CeGaT Center For Human Genetics Tuebingen Variant Classification Criteria Version 2. Collection method: clinical testing. Allele origin: germline. Affected: yes. Observed: 2 variant alleles.
Comment: CDH23: BS2

PreventionGenetics, part of Exact Sciences
Classification: Uncertain significance for CDH23-related condition. Last evaluated: 2026-02-12. Review status: criteria provided, single submitter. Criteria: ACMG Guidelines, 2015. Collection method: clinical testing. Allele origin: germline.
Comment: The CDH23 c.9979G>A variant is predicted to result in the amino acid substitution p.Ala3327Thr. To our knowledge, this variant has not been reported in the literature. This variant is reported in 0.018% of alleles in individuals of European (Non-Finnish) descent in gnomAD. At this time, the clinical significance of this variant is uncertain due to the absence of conclusive functional and genetic evidence.

Blueprint Genetics
Classification: Uncertain significance. Last evaluated: 2024-11-25. Review status: criteria provided, single submitter. Criteria: ACMG Guidelines, 2015. Collection method: clinical testing. Allele origin: germline.

Labcorp Genetics (formerly Invitae), Labcorp
Classification: Uncertain significance. Last evaluated: 2024-05-22. Review status: criteria provided, single submitter. Criteria: Invitae Variant Classification Sherloc (09022015). Collection method: clinical testing. Allele origin: germline.
Comment: This sequence change replaces alanine, which is neutral and non-polar, with threonine, which is neutral and polar, at codon 3327 of the CDH23 protein (p.Ala3327Thr). This variant is present in population databases (rs200733236, gnomAD 0.02%). This variant has not been reported in the literature in individuals affected with CDH23-related conditions. ClinVar contains an entry for this variant (Variation ID: 667206). Advanced modeling of protein sequence and biophysical properties (such as structural, functional, and spatial information, amino acid conservation, physicochemical variation, residue mobility, and thermodynamic stability) performed at Invitae indicates that this missense variant is not expected to disrupt CDH23 protein function with a negative predictive value of 95%. In summary, the available evidence is currently insufficient to determine the role of this variant in disease. Therefore, it has been classified as a Variant of Uncertain Significance.

Laboratory for Molecular Medicine, Mass General Brigham Personalized Medicine
Classification: Uncertain significance. Last evaluated: 2018-10-04. Review status: criteria provided, single submitter. Criteria: LMM Criteria. Collection method: clinical testing. Allele origin: germline. Observed: 2 variant alleles.
Comment: The p.Ala3327Thr variant in CDH23 has not been previously reported in individual s with hearing loss or Usher syndrome, but has been identified in 0.018% (23/123 684) of European chromosomes by gnomAD. Compu tational prediction tools and conservation analysis suggest that this variant ma y impact the protein, though this information is not predictive enough to determ ine pathogenicity. In summary, the clinical significance of this variant is unce rtain. ACMG/AMP Criteria applied: PM2_Supporting, PP3.

Institute of Human Genetics, Univ. Regensburg, Univ. Regensburg
Classification: Uncertain significance for Optic atrophy. Last evaluated: 2022-01-01. Review status: no assertion criteria provided. Criteria: ACMG Guidelines, 2015. Collection method: clinical testing. Allele origin: germline. Affected: yes. Not counted in ClinVar's aggregate classification.

Natera, Inc.
Classification: Uncertain significance for Usher syndrome type 1. Last evaluated: 2020-09-16. Review status: no assertion criteria provided. Collection method: clinical testing. Allele origin: germline. Not counted in ClinVar's aggregate classification.